The following is an entry in ClinVar:

NM_000135.4(FANCA):c.3188G>C (p.Trp1063Ser)

Gene: FANCA (FA complementation group A; minus strand). Cytogenetic location: 16q24.3.
Variant type: single nucleotide variant.
Coding change: c.3188G>C on transcript NM_000135.4 (MANE Select); coding-DNA position 3188, G replaced by C.
Protein change: p.Trp1063Ser; replaces tryptophan 1063 with serine.
Molecular consequence: missense variant.
Genome position (GRCh38, 1-based): chr16:89,749,781, C>G on the plus strand (G>C on the coding strand, the complement: FANCA is on the minus strand). VCF-style: chr16-89749781-C-G. GRCh37 (hg19) VCF-style: chr16-89816189-C-G.
Other names: c.3188G>C, p.Trp1063Ser (NM_001286167.3); c.3188G>C (NM_000135.2); short protein forms W1063S.
Identifiers: ClinVar variation 1424870 (VCV001424870.6), dbSNP rs1166286386, ClinGen allele CA397486522.

ClinVar aggregate classification (germline): Uncertain significance. Review status: criteria provided, multiple submitters, no conflicts (2 of 4 stars). 2 submissions from 2 submitters: Uncertain significance (2). Last evaluated 2025-07-18.

Conditions:
Fanconi anemia (FA). Also called: Fanconi's anemia. Identifiers: Orphanet 84, MedGen C0015625, MeSH D005199, MONDO:0019391.
Inborn genetic diseases. Identifiers: MedGen C0950123, MeSH D030342.

gnomAD v4.1: 1 of 1,614,232 alleles (0.000062%); highest among the groups gnomAD compares: Non-Finnish European, 0.000085%; no homozygotes.

Submissions (2):

Ambry Genetics
Classification: Uncertain significance for Inborn genetic diseases. Last evaluated: 2025-07-18. Review status: criteria provided, single submitter. Criteria: Ambry Variant Classification Scheme 2023. Collection method: clinical testing. Allele origin: germline.
Comment: The p.W1063S variant (also known as c.3188G>C), located in coding exon 32 of the FANCA gene, results from a G to C substitution at nucleotide position 3188. The tryptophan at codon 1063 is replaced by serine, an amino acid with highly dissimilar properties. This amino acid position is conserved. In addition, this alteration is predicted to be tolerated by in silico analysis. Based on the available evidence, the clinical significance of this variant remains unclear.

Labcorp Genetics (formerly Invitae), Labcorp
Classification: Uncertain significance for Fanconi anemia. Last evaluated: 2022-02-11. Review status: criteria provided, single submitter. Criteria: Invitae Variant Classification Sherloc (09022015). Collection method: clinical testing. Allele origin: germline.
Comment: This sequence change replaces tryptophan, which is neutral and slightly polar, with serine, which is neutral and polar, at codon 1063 of the FANCA protein (p.Trp1063Ser). This variant is not present in population databases (gnomAD no frequency). This variant has not been reported in the literature in individuals affected with FANCA-related conditions. Advanced modeling of protein sequence and biophysical properties (such as structural, functional, and spatial information, amino acid conservation, physicochemical variation, residue mobility, and thermodynamic stability) performed at Invitae indicates that this missense variant is not expected to disrupt FANCA protein function. In summary, the available evidence is currently insufficient to determine the role of this variant in disease. Therefore, it has been classified as a Variant of Uncertain Significance.